The following is an entry in ClinVar:

ClinVar aggregate classification (germline): Uncertain significance (1 of 4 stars; one submission).

Conditions:
Neuropathy, hereditary sensory and autonomic, type 2A (HSAN2A). Also called: MORVAN DISEASE; NEUROPATHY, CONGENITAL SENSORY; NEUROPATHY, HEREDITARY SENSORY RADICULAR, AUTOSOMAL RECESSIVE; NEUROPATHY, HEREDITARY SENSORY, TYPE IIA; NEUROPATHY, PROGRESSIVE SENSORY, OF CHILDREN; WNK1-Related HSAN2 (HSAN2A). Identifiers: Orphanet 970, MedGen C2752089, MONDO:0024309, OMIM 201300.
Pseudohypoaldosteronism type 2C (PHA2C). Also called: Pseudohypoaldosteronism Type IIC. Identifiers: Orphanet 757, Orphanet 88940, MedGen C1840391, MONDO:0013778, OMIM 614492.

Allele frequency attached by ClinVar (database versions not stated): gnomAD exomes below 0.00001.
gnomAD v4.1: 1 of 1,613,380 alleles (0.000062%); highest among the groups gnomAD compares: Non-Finnish European, 0.000085%; no homozygotes.

Submission:

Labcorp Genetics (formerly Invitae), Labcorp
Classification: Uncertain significance for Hereditary sensory and autonomic neuropathy type IIA; Pseudohypoaldosteronism type 2C. Last evaluated: 2019-07-08. Review status: criteria provided, single submitter. Criteria: Invitae Variant Classification Sherloc (09022015). Collection method: clinical testing. Allele origin: germline.
Comment: This sequence change falls in intron 2 of the WNK1 gene. It does not directly change the encoded amino acid sequence of the WNK1 protein. This variant is not present in population databases (ExAC no frequency). This variant has not been reported in the literature in individuals with WNK1-related conditions. Algorithms developed to predict the effect of sequence changes on RNA splicing suggest that this variant may create or strengthen a splice site, but this prediction has not been confirmed by published transcriptional studies. In summary, the available evidence is currently insufficient to determine the role of this variant in disease. Therefore, it has been classified as a Variant of Uncertain Significance.

NM_018979.4(WNK1):c.932+9A>G

Gene: WNK1 (WNK lysine deficient protein kinase 1; plus strand). Cytogenetic location: 12p13.33.
Variant type: single nucleotide variant.
Coding change: c.932+9A>G on transcript NM_018979.4 (MANE Select); 9 bases into the intron after coding-DNA position 932, A replaced by G.
Molecular consequence: intron variant.
Genome position (GRCh38, 1-based): chr12:813,823, A>G. VCF-style: chr12-813823-A-G. GRCh37 (hg19) VCF-style: chr12-922989-A-G.
Other names: c.932+9A>G (NM_213655.5, NM_001184985.2, NM_014823.3).
Identifiers: ClinVar variation 945155 (VCV000945155.1), dbSNP rs1947102067, ClinGen allele CA1139662453.